The following is an entry in ClinVar:

ClinVar aggregate classification (germline): Conflicting classifications of pathogenicity. Review status: criteria provided, conflicting classifications (1 of 4 stars). 5 submissions from 5 submitters: Uncertain significance (3); Likely benign (2). Last evaluated 2024-09-24.

Conditions:
Hereditary breast ovarian cancer syndrome. Also called: Hereditary breast and ovarian cancer; Hereditary breast and/or ovarian cancer syndrome; BRCA1- and BRCA2-Associated Hereditary Breast and Ovarian Cancer; Hereditary breast and ovarian cancer syndrome; Hereditary breast and ovarian cancer syndrome (HBOC); Breast and ovarian cancer. Identifiers: Orphanet 145, MedGen C0677776, MeSH D061325, MONDO:0003582. Disease mechanism: loss of function.
Hereditary cancer-predisposing syndrome. Also called: Tumor predisposition; Hereditary Cancer Syndrome; Hereditary neoplastic syndrome; Neoplastic Syndromes, Hereditary. Identifiers: Orphanet 140162, MedGen C0027672, MeSH D009386, MONDO:0015356.
BRCA2-related cancer predisposition. Identifiers: MedGen CN377758, MONDO:0700269.

Submissions (5):

Labcorp Genetics (formerly Invitae), Labcorp
Classification: Uncertain significance for Hereditary breast ovarian cancer syndrome. Last evaluated: 2024-09-24. Review status: criteria provided, single submitter. Criteria: Invitae Variant Classification Sherloc (09022015). Collection method: clinical testing. Allele origin: germline.
Comment: This sequence change replaces phenylalanine, which is neutral and non-polar, with leucine, which is neutral and non-polar, at codon 1449 of the BRCA2 protein (p.Phe1449Leu). This variant is not present in population databases (gnomAD no frequency). This variant has not been reported in the literature in individuals affected with BRCA2-related conditions. ClinVar contains an entry for this variant (Variation ID: 409522). Invitae Evidence Modeling of protein sequence and biophysical properties (such as structural, functional, and spatial information, amino acid conservation, physicochemical variation, residue mobility, and thermodynamic stability) indicates that this missense variant is not expected to disrupt BRCA2 protein function with a negative predictive value of 95%. In summary, the available evidence is currently insufficient to determine the role of this variant in disease. Therefore, it has been classified as a Variant of Uncertain Significance.

Ambry Genetics
Classification: Likely benign for Hereditary cancer-predisposing syndrome. Last evaluated: 2024-06-20. Review status: criteria provided, single submitter. Criteria: Ambry Variant Classification Scheme 2023. Collection method: clinical testing. Allele origin: germline.

All of Us Research Program, National Institutes of Health
Classification: Uncertain significance for BRCA2-related cancer predisposition. Last evaluated: 2024-06-17. Review status: criteria provided, single submitter. Criteria: ACMG Guidelines, 2015. Collection method: clinical testing. Allele origin: germline. Inheritance: Autosomal dominant inheritance. Observed: 1 variant allele, 1 heterozygote.
Comment: This missense variant replaces phenylalanine with leucine at codon 1449 of the BRCA2 protein. Computational prediction tools and conservation analyses suggest that this variant may not impact the protein function. Computational splicing tools suggest that this variant may not impact RNA splicing. To our knowledge, functional assays have not been performed for this variant nor has this variant been reported in individuals affected with hereditary cancer in the literature. This variant has not been identified in the general population by the Genome Aggregation Database (gnomAD). Available evidence is insufficient to determine the role of this variant in disease conclusively. Therefore, this variant is classified as a Variant of Uncertain Significance.

This study involves interpretation of variants in research participants for the purpose of population health screening. Participant phenotype was not available at the time of variant classification. Additional details can be found in publication PMID: 35346344, PMCID: PMC8962531

Color Diagnostics, LLC DBA Color Health
Classification: Uncertain significance for Hereditary cancer-predisposing syndrome. Last evaluated: 2024-06-05. Review status: criteria provided, single submitter. Criteria: ACMG Guidelines, 2015. Collection method: clinical testing. Allele origin: germline.
Comment: This missense variant replaces phenylalanine with leucine at codon 1449 of the BRCA2 protein. Computational prediction suggests that this variant may not impact protein structure and function. To our knowledge, functional studies have not been reported for this variant. This variant has not been reported as a germline variant in individuals affected with BRCA2-related disorders in the literature. This variant has not been identified in the general population by the Genome Aggregation Database (gnomAD). The available evidence is insufficient to determine the role of this variant in disease conclusively. Therefore, this variant is classified as a Variant of Uncertain Significance.

University of Washington Department of Laboratory Medicine, University of Washington
Classification: Likely benign for Hereditary cancer-predisposing syndrome. Last evaluated: 2023-03-23. Review status: criteria provided, single submitter. Criteria: Dines et al. (Genet Med. 2020). Collection method: curation. Allele origin: germline.
Comment: Missense variant in a coldspot region where missense variants are very unlikely to be pathogenic (PMID:31911673).

BRCA2 exon 11 coldspot. Reclassification based on statistical prior probability.

NM_000059.4(BRCA2):c.4347C>A (p.Phe1449Leu)

Gene: BRCA2 (BRCA2 DNA repair associated; plus strand). Cytogenetic location: 13q13.1.
Variant type: single nucleotide variant.
Coding change: c.4347C>A on transcript NM_000059.4 (MANE Select); coding-DNA position 4347, C replaced by A.
Protein change: p.Phe1449Leu; replaces phenylalanine 1449 with leucine.
Molecular consequence: missense variant.
Genome position (GRCh38, 1-based): chr13:32,338,702, C>A. VCF-style: chr13-32338702-C-A. GRCh37 (hg19) VCF-style: chr13-32912839-C-A.
Other names: short protein forms F1449L.
Identifiers: ClinVar variation 409522 (VCV000409522.19), dbSNP rs1060502450, ClinGen allele CA16614149.